The following is an entry in ClinVar:

NM_000316.3(PTH1R):c.1305G>A (p.Thr435=)

Gene: PTH1R (parathyroid hormone 1 receptor; plus strand). Cytogenetic location: 3p21.31.
Variant type: single nucleotide variant.
Coding change: c.1305G>A on transcript NM_000316.3 (MANE Select); coding-DNA position 1305, G replaced by A.
Protein change: p.Thr435=; no amino-acid change (threonine 435 retained).
Molecular consequence: synonymous variant.
Genome position (GRCh38, 1-based): chr3:46,902,619, G>A. VCF-style: chr3-46902619-G-A. GRCh37 (hg19) VCF-style: chr3-46944109-G-A.
Other names: c.1305G>A, p.Thr435= (NM_001184744.1).
Identifiers: ClinVar variation 345595 (VCV000345595.59), dbSNP rs142921504, ClinGen allele CA2359481.

ClinVar aggregate classification (germline): Benign/Likely benign. Review status: criteria provided, multiple submitters, no conflicts (2 of 4 stars). 10 submissions from 9 submitters: Benign (4); Likely benign (5). 1 of the submissions does not count toward it. Last evaluated 2025-12-18.

Conditions:
Chondrodysplasia Blomstrand type (BOCD). Identifiers: Orphanet 50945, MedGen C1859148, MONDO:0008970, OMIM 215045.
Metaphyseal chondrodysplasia, Jansen type. Also called: PTH1R-Related Jansen Metaphyseal Chondrodysplasia; Metaphyseal chondrodysplasia Murk Jansen type. Identifiers: Orphanet 33067, MedGen C0265295, MONDO:0007982, OMIM 156400.
Connective tissue disorder. Also called: Connective tissue disease. Identifiers: MedGen C0009782, MONDO:0003900.
Primary failure of tooth eruption. Also called: DENTAL NONERUPTION; POSTERIOR OPENBITE MALOCCLUSION, FAMILIAL; PRIMARY RETENTION OF TEETH; UNERUPTED SECOND PRIMARY MOLAR. Identifiers: Orphanet 412206, MedGen C1852222, MONDO:0007434, OMIM 125350.
Eiken syndrome (EKNS). Also called: BONE MODELING DEFECT OF HANDS AND FEET. Identifiers: Orphanet 79106, MedGen C1838779, MONDO:0010803, OMIM 600002.

Allele frequency attached by ClinVar (database versions not stated): 1000 Genomes Project 30x 0.00078; gnomAD 0.00080; 1000 Genomes Project 0.00100; TOPMed 0.00103; ESP Exome Variant Server 0.00131.
gnomAD v4.1: 2,886 of 1,613,976 alleles (0.18%); highest among the groups gnomAD compares: Middle Eastern, 0.8%; 8 homozygotes.

Submissions (10):

Labcorp Genetics (formerly Invitae), Labcorp
Classification: Benign. Last evaluated: 2025-12-18. Review status: criteria provided, single submitter. Criteria: Invitae Variant Classification Sherloc (09022015). Collection method: clinical testing. Allele origin: germline.

CeGaT Center for Human Genetics Tuebingen
Classification: Likely benign. Last evaluated: 2025-02-01. Review status: criteria provided, single submitter. Criteria: CeGaT Center For Human Genetics Tuebingen Variant Classification Criteria Version 2. Collection method: clinical testing. Allele origin: germline. Affected: yes. Observed: 2 variant alleles.
Comment: PTH1R: BP4, BP7

Blueprint Genetics
Classification: Likely benign. Last evaluated: 2024-10-28. Review status: criteria provided, single submitter. Criteria: ACMG Guidelines, 2015. Collection method: clinical testing. Allele origin: germline.

ARUP Laboratories, Molecular Genetics and Genomics, ARUP Laboratories
Classification: Benign. Last evaluated: 2023-10-14. Review status: criteria provided, single submitter. Criteria: ARUP Molecular Germline Variant Investigation Process 2024. Collection method: clinical testing. Allele origin: germline.

Fulgent Genetics
Classification: Benign for Primary failure of tooth eruption; Metaphyseal chondrodysplasia, Jansen type; Chondrodysplasia Blomstrand type; Eiken syndrome. Last evaluated: 2021-07-20. Review status: criteria provided, single submitter. Criteria: ACMG Guidelines, 2015. Collection method: clinical testing. Allele origin: unknown.

Genome Diagnostics Laboratory, The Hospital for Sick Children
Classification: Likely benign for Connective tissue disorder. Last evaluated: 2019-12-01. Review status: criteria provided, single submitter. Criteria: ACMG Guidelines, 2015. Collection method: clinical testing. Allele origin: germline.

Illumina Laboratory Services, Illumina
Classification: Likely benign for Chondrodysplasia Blomstrand type. Last evaluated: 2018-01-13. Review status: criteria provided, single submitter. Criteria: ICSL Variant Classification Criteria 13 December 2019. Collection method: clinical testing. Allele origin: germline.
Comment: This variant was observed in the ICSL laboratory as part of a predisposition screen in an ostensibly healthy population. It had not been previously curated by ICSL or reported in the Human Gene Mutation Database (HGMD: prior to June 1st, 2018), and was therefore a candidate for classification through an automated scoring system. Utilizing variant allele frequency, disease prevalence and penetrance estimates, and inheritance mode, an automated score was calculated to assess if this variant is too frequent to cause the disease. Based on the score and internal cut-off values, a variant classified as likely benign is not then subjected to further curation. The score for this variant resulted in a classification of likely benign for this disease.

Illumina Laboratory Services, Illumina
Classification: Benign for Metaphyseal chondrodysplasia, Jansen type. Last evaluated: 2018-01-13. Review status: criteria provided, single submitter. Criteria: ICSL Variant Classification Criteria 13 December 2019. Collection method: clinical testing. Allele origin: germline.
Comment: This variant was observed in the ICSL laboratory as part of a predisposition screen in an ostensibly healthy population. It had not been previously curated by ICSL or reported in the Human Gene Mutation Database (HGMD: prior to June 1st, 2018), and was therefore a candidate for classification through an automated scoring system. Utilizing variant allele frequency, disease prevalence and penetrance estimates, and inheritance mode, an automated score was calculated to assess if this variant is too frequent to cause the disease. Based on the score and internal cut-off values, a variant classified as benign is not then subjected to further curation. The score for this variant resulted in a classification of benign for this disease.

Breakthrough Genomics
Classification: Likely benign. Review status: criteria provided, single submitter. Criteria: ACMG Guidelines, 2015. Collection method: not provided. Allele origin: germline. Inheritance: Autosomal recessive inheritance. Affected: yes.

Genetic Services Laboratory, University of Chicago
Classification: Likely benign. Last evaluated: 2022-11-16. Review status: no assertion criteria provided. Collection method: clinical testing. Allele origin: germline. Affected: no. Not counted in ClinVar's aggregate classification.